The following is an entry in ClinVar:

NM_032383.5(HPS3):c.2585T>A (p.Leu862Ter)

Genes: CP (ceruloplasmin; minus strand), HPS3 (HPS3 biogenesis of lysosomal organelles complex 2 subunit 1; plus strand). Cytogenetic location: 3q24.
Variant type: single nucleotide variant.
Coding change: c.2585T>A on transcript NM_032383.5 (MANE Select); coding-DNA position 2585, T replaced by A.
Protein change: p.Leu862Ter; replaces leucine 862 with a stop codon.
Molecular consequence: nonsense.
Genome position (GRCh38, 1-based): chr3:149,163,945, T>A. VCF-style: chr3-149163945-T-A. GRCh37 (hg19) VCF-style: chr3-148881732-T-A.
Other names: c.2090T>A, p.Leu697Ter (NM_001308258.2); short protein forms L697*, L862*.
Identifiers: ClinVar variation 5010603 (VCV005010603.1).

ClinVar aggregate classification (germline): Pathogenic (1 of 4 stars; one submission).

Conditions:
Hermansky-Pudlak syndrome 3 (HPS3). Identifiers: Orphanet 231512, Orphanet 79430, MedGen C3888001, MONDO:0013555, OMIM 614072.

Submission:

Myriad Genetics, Inc.
Classification: Pathogenic for Hermansky-Pudlak syndrome 3. Last evaluated: 2024-05-14. Review status: criteria provided, single submitter. Criteria: Myriad Autosomal Dominant, Autosomal Recessive and X-Linked Classification Criteria (2023). Collection method: clinical testing. Allele origin: unknown.
Comment: NM_032383.3(HPS3):c.2585T>A(L862*) is expected to be pathogenic in the context of Hermansky-Pudlak syndrome, HPS3-related. This variant is predicted to lead to an abnormal or absent protein product due to the creation of a premature termination codon in HPS3, a gene where loss-of-function variants are known to be pathogenic. Please note: this variant was assessed in the context of healthy population screening.